The following is an entry in ClinVar:

ClinVar aggregate classification (germline): Uncertain significance (1 of 4 stars; one submission).

Allele frequency attached by ClinVar (database versions not stated): gnomAD exomes below 0.00001; TOPMed 0.00001.
gnomAD v4.1: 3 of 1,613,288 alleles (0.00019%); highest among the groups gnomAD compares: African/African-American, 0.0027%; no homozygotes.

Submission:

GeneDx
Classification: Uncertain significance. Last evaluated: 2022-06-06. Review status: criteria provided, single submitter. Criteria: GeneDx Variant Classification Process June 2021. Collection method: clinical testing. Allele origin: germline. Affected: yes.
Comment: Not observed at significant frequency in large population cohorts (gnomAD); In silico analysis supports that this variant does not alter splicing; Has not been previously published as pathogenic or benign to our knowledge

NM_012301.4(MAGI2):c.3123G>A (p.Gln1041=)

Gene: MAGI2 (membrane associated guanylate kinase, WW and PDZ domain containing 2; minus strand). Cytogenetic location: 7q21.11.
Variant type: single nucleotide variant.
Coding change: c.3123G>A on transcript NM_012301.4 (MANE Select); coding-DNA position 3123, G replaced by A.
Protein change: p.Gln1041=; no amino-acid change (glutamine 1041 retained).
Molecular consequence: synonymous variant.
Genome position (GRCh38, 1-based): chr7:78,132,969, C>T on the plus strand (G>A on the coding strand, the complement: MAGI2 is on the minus strand). VCF-style: chr7-78132969-C-T. GRCh37 (hg19) VCF-style: chr7-77762286-C-T.
Other names: c.3081G>A, p.Gln1027= (NM_001301128.2).
Identifiers: ClinVar variation 1803599 (VCV001803599.1), dbSNP rs1418143177, ClinGen allele CA456124998.
Genomic context (GRCh38, chr7:78,132,969, plus strand): 5'-CTGAAGTGGTTGAGGTGGTGCTGGCTGGGCGATGGGGCTGTTGGGGGTGGCTGGGCTTGG[C>T]TGGGCCAGGGGACTCTGCTGTGCCAGGGGACTCTGCTGCGCCATGGGACTCTGCTTCTCT-3'
Protein context (NP_036433.2, residues 1031-1051): SPLAQQSPLA[Gln1041=]PSPATPNSPI